The following is an entry in ClinVar:

NC_000015.9:g.(?_89840554)_(89848657_?)del

Gene: FANCI (FA complementation group I; plus strand). Cytogenetic location: 15q26.1.
Variant type: Deletion.
Identifiers: ClinVar variation 3243705 (VCV003243705.1).

ClinVar aggregate classification (germline): Pathogenic (1 of 4 stars; one submission).

Conditions:
Fanconi anemia (FA). Also called: Fanconi's anemia. Identifiers: Orphanet 84, MedGen C0015625, MeSH D005199, MONDO:0019391.

Submission:

Labcorp Genetics (formerly Invitae), Labcorp
Classification: Pathogenic for Fanconi anemia. Last evaluated: 2022-09-12. Review status: criteria provided, single submitter. Criteria: Invitae Variant Classification Sherloc (09022015). Collection method: clinical testing. Allele origin: unknown.
Comment: For these reasons, this variant has been classified as Pathogenic. This variant has not been reported in the literature in individuals affected with FANCI-related conditions. This variant is a gross deletion of the genomic region encompassing exon(s) 25-30 of the FANCI gene. This deletion is out-of-frame, and is expected to create a premature termination codon and result in an absent or disrupted protein product. Loss-of-function variants in FANCI are known to be pathogenic (PMID: 17452773, 17460694).

Literature cited by the submitters: PubMed 17452773; PubMed 17460694.